The following is an entry in ClinVar:

NM_001106.4(ACVR2B):c.*338C>G

Gene: ACVR2B (activin A receptor type 2B; plus strand). Cytogenetic location: 3p22.2.
Variant type: single nucleotide variant.
Coding change: c.*338C>G on transcript NM_001106.4 (MANE Select); 338 bases downstream of the stop codon, C replaced by G.
Molecular consequence: 3 prime UTR variant.
Genome position (GRCh38, 1-based): chr3:38,483,670, C>G. VCF-style: chr3-38483670-C-G. GRCh37 (hg19) VCF-style: chr3-38525161-C-G.
Identifiers: ClinVar variation 344927 (VCV000344927.5), dbSNP rs78458694, ClinGen allele CA10616229.

ClinVar aggregate classification (germline): Benign (1 of 4 stars; one submission).

Conditions:
Heterotaxy, visceral, 4, autosomal (HTX4). Identifiers: Orphanet 450, MedGen C3151057, MONDO:0013403, OMIM 613751.

Allele frequency attached by ClinVar (database versions not stated): 1000 Genomes Project 30x 0.00265; 1000 Genomes Project 0.00300; gnomAD exomes 0.00506; gnomAD 0.00515 and 0.00522; TOPMed 0.00531.
gnomAD v4.1: 812 of 156,972 alleles (0.52%); highest among the groups gnomAD compares: Non-Finnish European, 0.86%; 7 homozygotes.

Submission:

Illumina Laboratory Services, Illumina
Classification: Benign for Heterotaxy, visceral, 4, autosomal. Last evaluated: 2018-01-12. Review status: criteria provided, single submitter. Criteria: ICSL Variant Classification Criteria 13 December 2019. Collection method: clinical testing. Allele origin: germline.
Comment: This variant was observed in the ICSL laboratory as part of a predisposition screen in an ostensibly healthy population. It had not been previously curated by ICSL or reported in the Human Gene Mutation Database (HGMD: prior to June 1st, 2018), and was therefore a candidate for classification through an automated scoring system. Utilizing variant allele frequency, disease prevalence and penetrance estimates, and inheritance mode, an automated score was calculated to assess if this variant is too frequent to cause the disease. Based on the score and internal cut-off values, a variant classified as benign is not then subjected to further curation. The score for this variant resulted in a classification of benign for this disease.